The following is an entry in ClinVar:

NM_020117.11(LARS1):c.3097-11C>T

Gene: LARS1 (leucyl-tRNA synthetase 1; minus strand). Cytogenetic location: 5q32.
Variant type: single nucleotide variant.
Coding change: c.3097-11C>T on transcript NM_020117.11 (MANE Select); 11 bases into the intron before coding-DNA position 3097, C replaced by T.
Molecular consequence: intron variant.
Genome position (GRCh38, 1-based): chr5:146,122,598, G>A on the plus strand (C>T on the coding strand, the complement: LARS1 is on the minus strand). VCF-style: chr5-146122598-G-A. GRCh37 (hg19) VCF-style: chr5-145502161-G-A.
Other names: c.2935-11C>T (NM_001317965.2); c.3016-11C>T (NM_016460.4); c.2959-11C>T (NM_001317964.2).
Identifiers: ClinVar variation 378077 (VCV000378077.6), dbSNP rs201352065, ClinGen allele CA3489118.

ClinVar aggregate classification (germline): Benign/Likely benign. Review status: criteria provided, multiple submitters, no conflicts (2 of 4 stars). 2 submissions from 2 submitters: Benign (1); Likely benign (1). Last evaluated 2026-01-20.

Allele frequency attached by ClinVar (database versions not stated): 1000 Genomes Project 30x 0.00016; 1000 Genomes Project 0.00020; ESP Exome Variant Server 0.00031; ExAC 0.00035; gnomAD 0.00038 and 0.00042; gnomAD exomes 0.00038; TOPMed 0.00071.
gnomAD v4.1: 942 of 1,506,440 alleles (0.063%); highest among the groups gnomAD compares: Admixed American, 0.12%; 3 homozygotes.

Submissions (2):

Labcorp Genetics (formerly Invitae), Labcorp
Classification: Likely benign. Last evaluated: 2026-01-20. Review status: criteria provided, single submitter. Criteria: Invitae Variant Classification Sherloc (09022015). Collection method: clinical testing. Allele origin: germline.

GeneDx
Classification: Benign. Last evaluated: 2015-08-19. Review status: criteria provided, single submitter. Criteria: GeneDx Variant Classification (06012015). Collection method: clinical testing. Allele origin: germline. Affected: yes.
Comment: This variant is considered likely benign or benign based on one or more of the following criteria: it is a conservative change, it occurs at a poorly conserved position in the protein, it is predicted to be benign by multiple in silico algorithms, and/or has population frequency not consistent with disease.